The following is an entry in ClinVar:

NM_001371596.2(MFSD8):c.1071G>A (p.Trp357Ter)

Gene: MFSD8 (major facilitator superfamily domain containing 8; minus strand). Cytogenetic location: 4q28.2.
Variant type: single nucleotide variant.
Coding change: c.1071G>A on transcript NM_001371596.2 (MANE Select); coding-DNA position 1071, G replaced by A.
Protein change: p.Trp357Ter; replaces tryptophan 357 with a stop codon.
Molecular consequence: nonsense.
Genome position (GRCh38, 1-based): chr4:127,921,891, C>T on the plus strand (G>A on the coding strand, the complement: MFSD8 is on the minus strand). VCF-style: chr4-127921891-C-T. GRCh37 (hg19) VCF-style: chr4-128843046-C-T.
Other names: c.870G>A, p.Trp290Ter (NM_001363520.3); c.756G>A, p.Trp252Ter (NM_001363521.3); c.936G>A, p.Trp312Ter (NM_001371590.2); c.1071G>A, p.Trp357Ter (NM_001371591.2, NM_152778.4); c.1077G>A, p.Trp359Ter (NM_001371592.2); c.957G>A, p.Trp319Ter (NM_001371593.2); c.924G>A, p.Trp308Ter (NM_001371594.2); c.789G>A, p.Trp263Ter (NM_001371595.1); and 1 more; short protein forms W207*, W290*, W252*, W319*, W357*, W308*, W312*, W263*.
Identifiers: ClinVar variation 2033934 (VCV002033934.4), dbSNP rs2546048314, ClinGen allele CA358171779.

ClinVar aggregate classification (germline): Pathogenic (1 of 4 stars; one submission).

Conditions:
Neuronal ceroid lipofuscinosis 7 (CLN7). Also called: MFSD8-Related Neuronal Ceroid-Lipofuscinosis. Identifiers: Orphanet 168491, Orphanet 228366, MedGen C1838571, MONDO:0012588, OMIM 610951.

Submission:

Labcorp Genetics (formerly Invitae), Labcorp
Classification: Pathogenic for Neuronal ceroid lipofuscinosis 7. Last evaluated: 2022-10-03. Review status: criteria provided, single submitter. Criteria: Invitae Variant Classification Sherloc (09022015). Collection method: clinical testing. Allele origin: germline.
Comment: For these reasons, this variant has been classified as Pathogenic. This variant has not been reported in the literature in individuals affected with MFSD8-related conditions. This variant is not present in population databases (gnomAD no frequency). This sequence change creates a premature translational stop signal (p.Trp357*) in the MFSD8 gene. It is expected to result in an absent or disrupted protein product. Loss-of-function variants in MFSD8 are known to be pathogenic (PMID: 19177532, 25227500, 28586915).

Literature cited by the submitters: PubMed 19177532; PubMed 25227500; PubMed 28586915.